The following is an entry in ClinVar:

ClinVar aggregate classification (germline): Uncertain significance (1 of 4 stars; one submission).

Conditions:
Polyglandular autoimmune syndrome, type 1 (APS1). Also called: Whitaker syndrome; AUTOIMMUNE POLYENDOCRINE SYNDROME, TYPE I, WITH OR WITHOUT REVERSIBLE METAPHYSEAL DYSPLASIA; APS I; Autoimmune polyendocrine syndrome type 1; HYPOADRENOCORTICISM WITH HYPOPARATHYROIDISM AND SUPERFICIAL MONILIASIS; Autoimmune polyendocrinopathy syndrome, type I. Identifiers: Orphanet 3453, MedGen C0085859, MONDO:0009411, OMIM 240300.

gnomAD v4.1: 1 of 1,596,656 alleles (0.000063%); highest among the groups gnomAD compares: Non-Finnish European, 0.000085%; no homozygotes.

Submission:

Labcorp Genetics (formerly Invitae), Labcorp
Classification: Uncertain significance for Polyglandular autoimmune syndrome, type 1. Last evaluated: 2023-02-24. Review status: criteria provided, single submitter. Criteria: Invitae Variant Classification Sherloc (09022015). Collection method: clinical testing. Allele origin: germline.
Comment: In summary, the available evidence is currently insufficient to determine the role of this variant in disease. Therefore, it has been classified as a Variant of Uncertain Significance. Advanced modeling of protein sequence and biophysical properties (such as structural, functional, and spatial information, amino acid conservation, physicochemical variation, residue mobility, and thermodynamic stability) performed at Invitae indicates that this missense variant is not expected to disrupt AIRE protein function. This variant has not been reported in the literature in individuals affected with AIRE-related conditions. This variant is present in population databases (no rsID available, gnomAD 0.0009%). This sequence change replaces cysteine, which is neutral and slightly polar, with tryptophan, which is neutral and slightly polar, at codon 434 of the AIRE protein (p.Cys434Trp).

NM_000383.4(AIRE):c.1302C>G (p.Cys434Trp)

Gene: AIRE (autoimmune regulator; plus strand). Cytogenetic location: 21q22.3.
Variant type: single nucleotide variant.
Coding change: c.1302C>G on transcript NM_000383.4 (MANE Select); coding-DNA position 1302, C replaced by G.
Protein change: p.Cys434Trp; replaces cysteine 434 with tryptophan.
Molecular consequence: missense variant.
Genome position (GRCh38, 1-based): chr21:44,293,812, C>G. VCF-style: chr21-44293812-C-G. GRCh37 (hg19) VCF-style: chr21-45713695-C-G.
Other names: short protein forms C434W.
Identifiers: ClinVar variation 2795952 (VCV002795952.3), dbSNP rs370969296, ClinGen allele CA410425651.
Genomic context (GRCh38, chr21:44,293,812, plus strand): 5'-GGCCCCCCGCGTCACCCCGCGCTGTTGCCTCCCACAGAACCTGGCTCCTGGTGCGCGTTG[C>G]GGGGTGTGCGGAGATGGTACGGACGTGCTGCGGTGTACTCACTGCGCCGCTGCCTTCCAC-3'
Protein context (NP_000374.1, residues 424-444): GQQNLAPGAR[Cys434Trp]GVCGDGTDVL